The following is an entry in ClinVar:

ClinVar aggregate classification (germline): Uncertain significance (1 of 4 stars; one submission).

Conditions:
Cardiovascular phenotype. Identifiers: MedGen CN230736.

Submission:

Ambry Genetics
Classification: Uncertain significance for Cardiovascular phenotype. Last evaluated: 2024-07-14. Review status: criteria provided, single submitter. Criteria: Ambry Variant Classification Scheme 2023. Collection method: clinical testing. Allele origin: germline.
Comment: The p.G433E variant (also known as c.1298G>A), located in coding exon 1 of the DOLK gene, results from a G to A substitution at nucleotide position 1298. The glycine at codon 433 is replaced by glutamic acid, an amino acid with similar properties. This amino acid position is conserved. In addition, this alteration is predicted to be tolerated by in silico analysis. Based on the available evidence, the clinical significance of this variant remains unclear.

NM_014908.4(DOLK):c.1298G>A (p.Gly433Glu)

Gene: DOLK (dolichol kinase; minus strand). Cytogenetic location: 9q34.11.
Variant type: single nucleotide variant.
Coding change: c.1298G>A on transcript NM_014908.4 (MANE Select); coding-DNA position 1298, G replaced by A.
Protein change: p.Gly433Glu; replaces glycine 433 with glutamic acid.
Molecular consequence: missense variant.
Genome position (GRCh38, 1-based): chr9:128,946,006, C>T on the plus strand (G>A on the coding strand, the complement: DOLK is on the minus strand). VCF-style: chr9-128946006-C-T. GRCh37 (hg19) VCF-style: chr9-131708285-C-T.
Other names: short protein forms G433E.
Identifiers: ClinVar variation 3504687 (VCV003504687.1).